The following is an entry in ClinVar:

NM_000718.4(CACNA1B):c.4071G>A (p.Thr1357=)

Gene: CACNA1B (calcium voltage-gated channel subunit alpha1 B; plus strand). Cytogenetic location: 9q34.3.
Variant type: single nucleotide variant.
Coding change: c.4071G>A on transcript NM_000718.4 (MANE Select); coding-DNA position 4071, G replaced by A.
Protein change: p.Thr1357=; no amino-acid change (threonine 1357 retained).
Molecular consequence: synonymous variant.
Genome position (GRCh38, 1-based): chr9:138,057,834, G>A. VCF-style: chr9-138057834-G-A. GRCh37 (hg19) VCF-style: chr9-140952286-G-A.
Other names: c.4071G>A, p.Thr1357= (NM_001243812.2); c.4071G>A (NM_000718.3).
Identifiers: ClinVar variation 1601455 (VCV001601455.10), dbSNP rs201831671, ClinGen allele CA5376896.

ClinVar aggregate classification (germline): Benign. Review status: criteria provided, single submitter (1 of 4 stars). 2 submissions from 2 submitters: Benign (1). 1 of the submissions does not count toward it. Last evaluated 2026-02-02.

Conditions:
CACNA1B-related disorder. Also called: CACNA1B-related condition.

Allele frequency attached by ClinVar (database versions not stated): TOPMed 0.00002; gnomAD 0.00003; ExAC 0.00006; gnomAD exomes 0.00011; 1000 Genomes Project 30x 0.00016.
gnomAD v4.1: 49 of 1,609,520 alleles (0.003%); highest among the groups gnomAD compares: Admixed American, 0.07%; 1 homozygote.

Submissions (2):

Labcorp Genetics (formerly Invitae), Labcorp
Classification: Benign. Last evaluated: 2026-02-02. Review status: criteria provided, single submitter. Criteria: Invitae Variant Classification Sherloc (09022015). Collection method: clinical testing. Allele origin: germline.

PreventionGenetics, part of Exact Sciences
Classification: Likely benign for CACNA1B-related condition. Last evaluated: 2020-01-24. Review status: no assertion criteria provided. Collection method: clinical testing. Allele origin: germline. Not counted in ClinVar's aggregate classification.
Comment: This variant is classified as likely benign based on ACMG/AMP sequence variant interpretation guidelines (Richards et al. 2015 PMID: 25741868, with internal and published modifications).